The following is an entry in ClinVar:

ClinVar aggregate classification (germline): Pathogenic (1 of 4 stars; one submission).

Conditions:
Hereditary spastic paraplegia 11. Also called: Nakamura Osame syndrome; Autosomal recessive hereditary spastic paraplegia, mental impairment, and thin corpus callosum; SPASTIC PARAPLEGIA, AUTOSOMAL RECESSIVE, COMPLICATED, WITH THIN CORPUS CALLOSUM; SPASTIC PARAPLEGIA, AUTOSOMAL RECESSIVE, WITH MENTAL IMPAIRMENT AND THIN CORPUS CALLOSUM; Spastic Paraplegia 11; Spastic paraplegia, mental retardation and thin corpus callosum. Identifiers: Orphanet 2822, MedGen C1858479, MONDO:0011445, OMIM 604360.

Submission:

Labcorp Genetics (formerly Invitae), Labcorp
Classification: Pathogenic for Hereditary spastic paraplegia 11. Last evaluated: 2022-01-05. Review status: criteria provided, single submitter. Criteria: Invitae Variant Classification Sherloc (09022015). Collection method: clinical testing. Allele origin: germline.
Comment: For these reasons, this variant has been classified as Pathogenic. This variant has not been reported in the literature in individuals affected with SPG11-related conditions. This variant is not present in population databases (gnomAD no frequency). This sequence change creates a premature translational stop signal (p.Arg24Glyfs*34) in the SPG11 gene. It is expected to result in an absent or disrupted protein product. Loss-of-function variants in SPG11 are known to be pathogenic (PMID: 19105190, 20110243, 22154821, 26556829).

Literature cited by the submitters: PubMed 19105190; PubMed 20110243; PubMed 22154821; PubMed 26556829.

NM_025137.4(SPG11):c.69del (p.Arg24fs)

Gene: SPG11 (SPG11 vesicle trafficking associated, spatacsin; minus strand). Cytogenetic location: 15q21.1.
Variant type: Deletion.
Coding change: c.69del on transcript NM_025137.4 (MANE Select); coding-DNA position 69, one base deleted (G; older notation c.69delG).
Protein change: p.Arg24fs; shifts the reading frame from arginine 24.
Molecular consequence: frameshift variant.
Genome position (GRCh38, 1-based): chr15:44,663,579, C deleted on the plus strand (G on the coding strand, the reverse complement: SPG11 is on the minus strand); the first of 4 consecutive C bases (chr15:44,663,579-44,663,582); deleting any one gives the same sequence. VCF-style (leftmost placement, unchanged base first): chr15-44663578-GC-G. GRCh37 (hg19) VCF-style: chr15-44955776-GC-G.
Other names: c.69del, p.Arg24fs (NM_001160227.2); c.66delG, p.Arg24Glyfs (NM_001411132.1); short protein forms R24fs.
Identifiers: ClinVar variation 2075286 (VCV002075286.4), dbSNP rs2505795420, ClinGen allele CA2580089520.
Genomic context (GRCh38, chr15:44,663,578, plus strand): 5'-GGGAGCCGAGCTGCCCCATCGCCTCGGCGGGGACTGGCACCAACAGCATCGGTAGAACCC[GC>G]CCCATGGCCGCGGTGCCCCAGCTACCGCCGGCGGAAGCAGCACTCGCGACCCCTTCCTCT-3'